The following is an entry in ClinVar:

ClinVar aggregate classification (germline): Uncertain significance (1 of 4 stars; one submission).

gnomAD v4.1: 2 of 1,613,348 alleles (0.00012%); highest among the groups gnomAD compares: Non-Finnish European, 0.00017%; no homozygotes.

Submission:

Labcorp Genetics (formerly Invitae), Labcorp
Classification: Uncertain significance. Last evaluated: 2021-08-14. Review status: criteria provided, single submitter. Criteria: Invitae Variant Classification Sherloc (09022015). Collection method: clinical testing. Allele origin: germline.
Comment: This sequence change replaces aspartic acid with valine at codon 2819 of the LRP2 protein (p.Asp2819Val). The aspartic acid residue is weakly conserved and there is a large physicochemical difference between aspartic acid and valine. This variant is not present in population databases (ExAC no frequency). This variant has not been reported in the literature in individuals affected with LRP2-related conditions. Algorithms developed to predict the effect of missense changes on protein structure and function are either unavailable or do not agree on the potential impact of this missense change (SIFT: "Deleterious"; PolyPhen-2: "Possibly Damaging"; Align-GVGD: "Class C0"). In summary, the available evidence is currently insufficient to determine the role of this variant in disease. Therefore, it has been classified as a Variant of Uncertain Significance.

NM_004525.3(LRP2):c.8456A>T (p.Asp2819Val)

Gene: LRP2 (LDL receptor related protein 2; minus strand). Cytogenetic location: 2q31.1.
Variant type: single nucleotide variant.
Coding change: c.8456A>T on transcript NM_004525.3 (MANE Select); coding-DNA position 8456, A replaced by T.
Protein change: p.Asp2819Val; replaces aspartic acid 2819 with valine.
Molecular consequence: missense variant.
Genome position (GRCh38, 1-based): chr2:169,198,908, T>A on the plus strand (A>T on the coding strand, the complement: LRP2 is on the minus strand). VCF-style: chr2-169198908-T-A. GRCh37 (hg19) VCF-style: chr2-170055418-T-A.
Other names: short protein forms D2819V.
Identifiers: ClinVar variation 1506014 (VCV001506014.5), dbSNP rs1688094173, ClinGen allele CA349164084.